The following is an entry in ClinVar:

ClinVar aggregate classification (germline): Uncertain significance. Review status: criteria provided, multiple submitters, no conflicts (2 of 4 stars). 8 submissions from 7 submitters: Uncertain significance (8). Last evaluated 2025-10-28.

Conditions:
Distal myopathy with posterior leg and anterior hand involvement. Also called: WILLIAMS DISTAL MYOPATHY. Identifiers: Orphanet 63273, MedGen C3279722, MONDO:0013550, OMIM 614065.
Cardiovascular phenotype. Identifiers: MedGen CN230736.
Myofibrillar myopathy 5. Also called: Filaminopathy (type); FILAMINOPATHY, AUTOSOMAL DOMINANT. Identifiers: Orphanet 171445, MedGen C1836050, MONDO:0012289, OMIM 609524.
Hypertrophic cardiomyopathy 26. Also called: Cardiomyopathy, familial hypertrophic, 26. Identifiers: Orphanet 75249, MedGen C4310749, MONDO:0014883, OMIM 617047.

Allele frequency attached by ClinVar (database versions not stated): gnomAD exomes below 0.00001 and 0.00001; TOPMed below 0.00001.
gnomAD v4.1: 13 of 1,611,626 alleles (0.00081%); highest among the groups gnomAD compares: Middle Eastern, 0.033%; no homozygotes.

Submissions (8):

Labcorp Genetics (formerly Invitae), Labcorp
Classification: Uncertain significance for Distal myopathy with posterior leg and anterior hand involvement; Myofibrillar myopathy 5; Hypertrophic cardiomyopathy 26. Last evaluated: 2025-10-28. Review status: criteria provided, single submitter. Criteria: Invitae Variant Classification Sherloc (09022015). Collection method: clinical testing. Allele origin: germline.
Comment: This sequence change replaces threonine, which is neutral and polar, with alanine, which is neutral and non-polar, at codon 302 of the FLNC protein (p.Thr302Ala). The frequency data for this variant in the population databases is considered unreliable, as metrics indicate poor data quality at this position in the gnomAD database. This missense change has been observed in individual(s) with hypertrophic cardiomyopathy (PMID: 37466024). ClinVar contains an entry for this variant (Variation ID: 587641). Invitae Evidence Modeling of protein sequence and biophysical properties (such as structural, functional, and spatial information, amino acid conservation, physicochemical variation, residue mobility, and thermodynamic stability) has been performed for this missense variant. However, the output from this modeling did not meet the statistical confidence thresholds required to predict the impact of this variant on FLNC protein function. In summary, the available evidence is currently insufficient to determine the role of this variant in disease. Therefore, it has been classified as a Variant of Uncertain Significance.

Ambry Genetics
Classification: Uncertain significance for Cardiovascular phenotype. Last evaluated: 2025-09-03. Review status: criteria provided, single submitter. Criteria: Ambry Variant Classification Scheme 2023. Collection method: clinical testing. Allele origin: germline.
Comment: The p.T302A variant (also known as c.904A>G), located in coding exon 5 of the FLNC gene, results from an A to G substitution at nucleotide position 904. The threonine at codon 302 is replaced by alanine, an amino acid with similar properties. This variant was reported in individual(s) with features consistent with hypertrophic cardiomyopathy (Oktay V et al. Anatol J Cardiol. 2023 Nov;27(11):628-638). This amino acid position is highly conserved in available vertebrate species. In addition, the in silico prediction for this alteration is inconclusive. Based on the available evidence, the clinical significance of this variant remains unclear.

CeGaT Center for Human Genetics Tuebingen
Classification: Uncertain significance. Last evaluated: 2023-11-01. Review status: criteria provided, single submitter. Criteria: CeGaT Center For Human Genetics Tuebingen Variant Classification Criteria Version 2. Collection method: clinical testing. Allele origin: germline. Affected: yes. Observed: 1 variant allele.
Comment: FLNC: PM2

Victorian Clinical Genetics Services, Murdoch Childrens Research Institute
Classification: Uncertain significance for Hypertrophic cardiomyopathy 26. Last evaluated: 2023-07-17. Review status: criteria provided, single submitter. Criteria: ACMG Guidelines, 2015. Collection method: clinical testing. Allele origin: germline. Inheritance: Autosomal dominant inheritance. Affected: yes.
Comment: Based on the classification scheme VCGS_Germline_v1.3.4, this variant is classified as VUS-3B. Following criteria are met: 0103 - Loss of function and gain of function are known mechanisms of disease in this gene. Loss of function is the established mechanism of disease for variants in dilated cardiomyopathy (PMID: 32112656), familial hypertrophic cardiomyopathy 26 (MIM#617047), familial restrictive cardiomyopathy 5 (MIM#617047) and myofibrillar myopathy 5 (MIM#609524), and recently has been associated with arrhythmogenic right ventricular cardiomyopathy (MONDO#0016587; PMID: 31627847). In distal myopathy 4 (MIM#614065), NMD-predicted variants cause a loss of function; however, missense variants have been shown to result in a toxic gain of function (PMID: 32112656). (I) 0107 - This gene is associated with autosomal dominant disease. Variants located throughout the gene that are predicted to result in nonsense-mediated decay (NMD) are enriched in dilated cardiomyopathy, whereas missense variants in the ROD2 domain are enriched in familial hypertrophic cardiomyopathy 26 and familial restrictive cardiomyopathy 5 (MIM#617047). Additionally, myofibrillar myopathy 5 (MIM#609524) is known to result from either missense variants in the ROD2 domain or truncating variants in the Ig-like domain 24, while missense variants in the actin-binding domain and NMD-predicted variants located in the Ig-like domain 15 and have been reported for distal myopathy 4 (MIM#614065) (PMID: 32112656). (I) 0115 - Variants in this gene are known to have variable expressivity. Variable expressivity has been reported for arrhythmogenic right ventricular cardiomyopathy (PMID: 31627847). (I) 0200 - Variant is predicted to result in a missense amino acid change from threonine to alanine. (I) 0251 - This variant is heterozygous. (I) 0302 - Variant is present in gnomAD (v2) <0.001 for a dominant condition (1 heterozygote, 0 homozygotes). (SP) 0309 - An alternative amino acid change at the same position has been observed in gnomAD (v2) (p.(Thr302Met): 8 heterozygotes, 0 homozygotes). (I) 0501 - Missense variant consistently predicted to be damaging by multiple in silico tools and highly conserved with a minor amino acid change. (SP) 0600 - Variant is located in the annotated filamin/ABP280 repeat domain (DECIPHER). (I) 0710 - Another missense variant comparable to the one identified in this case has inconclusive previous evidence for pathogenicity. The p.(Thr302Met) variant has been classified as a VUS by multiple clinical diagnostic laboratories (ClinVar). It has also been reported in an individual with DCM; however, limited information was provided by the authors and the variant has not been classified (PMID: 34535832). (I) 0809 - Previous evidence of pathogenicity for this variant is inconclusive. This variant has been classified as a VUS by multiple clinical diagnostic laboratories (ClinVar). (I) 0905 - No published segregation evidence has been identified for this variant. (I) 1007 - No published functional evidence has been identified for this variant. (I) 1208 - Inheritance information for this variant is not currently available in this individual. (I) Legend: (SP) - Supporting pathogenic, (I) - Information, (SB) - Supporting benign

Blueprint Genetics
Classification: Uncertain significance. Last evaluated: 2023-05-22. Review status: criteria provided, single submitter. Criteria: ACMG Guidelines, 2015. Collection method: clinical testing. Allele origin: germline.

Revvity Omics, Revvity
Classification: Uncertain significance. Last evaluated: 2019-12-09. Review status: criteria provided, single submitter. Criteria: ACMG Guidelines, 2015. Collection method: clinical testing. Allele origin: germline.

Genomic Research Center, Shahid Beheshti University of Medical Sciences
Classification: Uncertain significance for Myofibrillar myopathy, filamin C-related. Last evaluated: 2018-08-07. Review status: criteria provided, single submitter. Criteria: ACMG Guidelines, 2015. Collection method: clinical testing. Allele origin: unknown. Affected: yes. Observed: 1 variant allele.

Genomic Research Center, Shahid Beheshti University of Medical Sciences
Classification: Uncertain significance for Myopathy, distal, 4. Last evaluated: 2018-08-07. Review status: criteria provided, single submitter. Criteria: ACMG Guidelines, 2015. Collection method: clinical testing. Allele origin: unknown. Affected: yes. Observed: 1 variant allele.

Literature cited by the submitters: PubMed 37466024 (cited by Labcorp Genetics (formerly Invitae), Labcorp and Ambry Genetics); PubMed 31627847 (cited by Victorian Clinical Genetics Services, Murdoch Childrens Research Institute); PubMed 32112656 (cited by Victorian Clinical Genetics Services, Murdoch Childrens Research Institute); PubMed 34535832 (cited by Victorian Clinical Genetics Services, Murdoch Childrens Research Institute).

NM_001458.5(FLNC):c.904A>G (p.Thr302Ala)

Gene: FLNC (filamin C; plus strand). Cytogenetic location: 7q32.1.
Variant type: single nucleotide variant.
Coding change: c.904A>G on transcript NM_001458.5 (MANE Select); coding-DNA position 904, A replaced by G.
Protein change: p.Thr302Ala; replaces threonine 302 with alanine.
Molecular consequence: missense variant.
Genome position (GRCh38, 1-based): chr7:128,837,690, A>G. VCF-style: chr7-128837690-A-G. GRCh37 (hg19) VCF-style: chr7-128477744-A-G.
Other names: c.904A>G, p.Thr302Ala (NM_001127487.2); short protein forms T302A.
Identifiers: ClinVar variation 587641 (VCV000587641.61), dbSNP rs1410531577, ClinGen allele CA369223054.